The following is an entry in ClinVar:

ClinVar aggregate classification (germline): Conflicting classifications of pathogenicity. Review status: criteria provided, conflicting classifications (1 of 4 stars). 2 submissions from 2 submitters: Pathogenic (1); Uncertain significance (1). Last evaluated 2025-12-30.

Conditions:
Trimethylaminuria (TMAU). Also called: FISH-ODOR SYNDROME; Fish malodor syndrome; Stale fish syndrome; TMAuria; Primary Trimethylaminuria. Identifiers: MedGen C0342739, MONDO:0011182, OMIM 602079, HP:0003614. Disease mechanism: loss of function.

Allele frequency attached by ClinVar (database versions not stated): gnomAD exomes 0.00004 and 0.00006; ExAC 0.00008; TOPMed 0.00008; gnomAD 0.00013; 1000 Genomes Project 30x 0.00078; 1000 Genomes Project 0.00080.
gnomAD v4.1: 84 of 1,614,190 alleles (0.0052%); highest among the groups gnomAD compares: African/African-American, 0.035%; no homozygotes.

Submissions (2):

Labcorp Genetics (formerly Invitae), Labcorp
Classification: Pathogenic. Last evaluated: 2025-12-30. Review status: criteria provided, single submitter. Criteria: Invitae Variant Classification Sherloc (09022015). Collection method: clinical testing. Allele origin: germline.
Comment: This sequence change replaces isoleucine, which is neutral and non-polar, with threonine, which is neutral and polar, at codon 441 of the FMO3 protein (p.Ile441Thr). This variant is present in population databases (rs535435928, gnomAD 0.03%). This missense change has been observed in individual(s) with trimethylaminuria (PMID: 22819296, 30351217, 35853340). In at least one individual the data is consistent with being in trans (on the opposite chromosome) from a pathogenic variant. ClinVar contains an entry for this variant (Variation ID: 875899). Invitae Evidence Modeling of protein sequence and biophysical properties (such as structural, functional, and spatial information, amino acid conservation, physicochemical variation, residue mobility, and thermodynamic stability) has been performed for this missense variant. However, the output from this modeling did not meet the statistical confidence thresholds required to predict the impact of this variant on FMO3 protein function. Experimental studies have shown that this missense change affects FMO3 function (PMID: 22819296, 30351217). For these reasons, this variant has been classified as Pathogenic.

Illumina Laboratory Services, Illumina
Classification: Uncertain significance for Trimethylaminuria. Last evaluated: 2017-04-28. Review status: criteria provided, single submitter. Criteria: ICSL Variant Classification Criteria 13 December 2019. Collection method: clinical testing. Allele origin: germline.
Comment: This variant was observed as part of a predisposition screen in an ostensibly healthy population. A literature search was performed for the gene, cDNA change, and amino acid change (where applicable). Publications were found based on this search. However, the evidence from the literature, in combination with allele frequency data from public databases where available, was not sufficient to rule this variant in or out of causing disease. Therefore, this variant is classified as a variant of unknown significance.

Literature cited by the submitters: PubMed 22819296 (cited by Labcorp Genetics (formerly Invitae), Labcorp and Illumina Laboratory Services, Illumina); PubMed 30351217 (cited by Labcorp Genetics (formerly Invitae), Labcorp); PubMed 35853340 (cited by Labcorp Genetics (formerly Invitae), Labcorp); PubMed 23567996 (cited by Illumina Laboratory Services, Illumina).

NM_001002294.3(FMO3):c.1322T>C (p.Ile441Thr)

Gene: FMO3 (flavin containing dimethylaniline monoxygenase 3; plus strand). Cytogenetic location: 1q24.3.
Variant type: single nucleotide variant.
Coding change: c.1322T>C on transcript NM_001002294.3 (MANE Select); coding-DNA position 1322, T replaced by C.
Protein change: p.Ile441Thr; replaces isoleucine 441 with threonine.
Molecular consequence: missense variant.
Genome position (GRCh38, 1-based): chr1:171,117,165, T>C. VCF-style: chr1-171117165-T-C. GRCh37 (hg19) VCF-style: chr1-171086305-T-C.
Other names: c.1262T>C, p.Ile421Thr (NM_001319173.2); c.1133T>C, p.Ile378Thr (NM_001319174.2); c.1322T>C, p.Ile441Thr (NM_006894.6); short protein forms I421T, I441T, I378T.
Identifiers: ClinVar variation 875899 (VCV000875899.6), dbSNP rs535435928, ClinGen allele CA1240816.